The following is an entry in ClinVar:

ClinVar aggregate classification (germline): Likely benign (0 of 4 stars; one submission).

Conditions:
DNAH6-related disorder. Also called: DNAH6-related condition.

Submission:

PreventionGenetics, part of Exact Sciences
Classification: Likely benign for DNAH6-related condition. Last evaluated: 2020-01-03. Review status: no assertion criteria provided. Collection method: clinical testing. Allele origin: germline.
Comment: This variant is classified as likely benign based on ACMG/AMP sequence variant interpretation guidelines (Richards et al. 2015 PMID: 25741868, with internal and published modifications).

NM_001370.2(DNAH6):c.1317-10del

Gene: DNAH6 (dynein axonemal heavy chain 6; plus strand). Cytogenetic location: 2p11.2.
Variant type: Deletion.
Coding change: c.1317-10del on transcript NM_001370.2 (MANE Select); 10 bases into the intron before coding-DNA position 1317, one base deleted (T; older notation c.1317-10delT).
Molecular consequence: intron variant.
Genome position (GRCh38, 1-based): chr2:84,549,879, T deleted; the last of 8 consecutive T bases (chr2:84,549,872-84,549,879); deleting any one gives the same sequence. VCF-style (leftmost placement, unchanged base first): chr2-84549871-GT-G. GRCh37 (hg19) VCF-style: chr2-84776995-GT-G.
Identifiers: ClinVar variation 3041626 (VCV003041626.2), dbSNP rs574693833, ClinGen allele CA1736636.
Genomic context (GRCh38, chr2:84,549,871, plus strand): 5'-ATTTGCTTTAGAGACACTGTCAAAAATATGTAGTGAATATAAGAAACCGAAATTGTATTA[GT>G]TTTTTTTCTTTTCAAGCTTTATTCGTCTAAACGACTATCTAATTGAGAACACAATGCACA-3'